The following is an entry in ClinVar:

ClinVar aggregate classification (germline): Uncertain significance (1 of 4 stars; one submission).

Submission:

Labcorp Genetics (formerly Invitae), Labcorp
Classification: Uncertain significance. Last evaluated: 2024-05-06. Review status: criteria provided, single submitter. Criteria: Invitae Variant Classification Sherloc (09022015). Collection method: clinical testing. Allele origin: germline.
Comment: This sequence change affects codon 314 of the MOCS3 mRNA. It is a 'silent' change, meaning that it does not change the encoded amino acid sequence of the MOCS3 protein. This variant is present in population databases (no rsID available, gnomAD 0.01%). This variant has not been reported in the literature in individuals affected with MOCS3-related conditions. In summary, the available evidence is currently insufficient to determine the role of this variant in disease. Therefore, it has been classified as a Variant of Uncertain Significance.

NM_014484.5(MOCS3):c.942C>T (p.Ala314=)

Gene: MOCS3 (molybdenum cofactor synthesis 3; plus strand). Cytogenetic location: 20q13.13.
Variant type: single nucleotide variant.
Coding change: c.942C>T on transcript NM_014484.5 (MANE Select); coding-DNA position 942, C replaced by T.
Protein change: p.Ala314=; no amino-acid change (alanine 314 retained).
Molecular consequence: synonymous variant.
Genome position (GRCh38, 1-based): chr20:50,959,784, C>T. VCF-style: chr20-50959784-C-T. GRCh37 (hg19) VCF-style: chr20-49576321-C-T.
Identifiers: ClinVar variation 3673674 (VCV003673674.2).